The following is an entry in ClinVar:

NM_003244.4(TGIF1):c.463C>T (p.Pro155Ser)

Gene: TGIF1 (TGFB induced factor homeobox 1; plus strand). Cytogenetic location: 18p11.31.
Variant type: single nucleotide variant.
Coding change: c.463C>T on transcript NM_003244.4 (MANE Select); coding-DNA position 463, C replaced by T.
Protein change: p.Pro155Ser; replaces proline 155 with serine.
Molecular consequence: missense variant.
Genome position (GRCh38, 1-based): chr18:3,457,584, C>T. VCF-style: chr18-3457584-C-T. GRCh37 (hg19) VCF-style: chr18-3457582-C-T.
Other names: c.472C>T, p.Pro158Ser (NM_001278682.2); c.463C>T, p.Pro155Ser (NM_001278684.2, NM_173208.3); c.403C>T, p.Pro135Ser (NM_001278686.3, NM_001374396.1, NM_001374397.1 and 5 more transcripts); c.505C>T, p.Pro169Ser (NM_173207.4); short protein forms P135S, P155S, P158S, P169S.
Identifiers: ClinVar variation 970967 (VCV000970967.10), dbSNP rs2049399544, ClinGen allele CA401723576.
Genomic context (GRCh38, chr18:3,457,584, plus strand): 5'-GCTCTAGAGGAGACCCCATTTCATTCCTGTACAGCTGGGCCAAACCCAACCCTAGGGAGG[C>T]CACTGTCTCCTAAGCCGTCATCCCCGGGATCAGTTTTGGCTCGTCCATCAGTGATCTGCC-3'
Protein context (NP_003235.1, residues 145-165): TAGPNPTLGR[Pro155Ser]LSPKPSSPGS

ClinVar aggregate classification (germline): Uncertain significance (1 of 4 stars; one submission).

Conditions:
Holoprosencephaly 4 (HPE4). Identifiers: Orphanet 2162, MedGen C1840528, MONDO:0007734, OMIM 142946.

Allele frequency attached by ClinVar (database versions not stated): gnomAD exomes below 0.00001.
gnomAD v4.1: 3 of 1,614,210 alleles (0.00019%); highest among the groups gnomAD compares: Non-Finnish European, 0.00025%; no homozygotes.

Submission:

Labcorp Genetics (formerly Invitae), Labcorp
Classification: Uncertain significance for Holoprosencephaly 4. Last evaluated: 2022-10-01. Review status: criteria provided, single submitter. Criteria: Invitae Variant Classification Sherloc (09022015). Collection method: clinical testing. Allele origin: germline.
Comment: In summary, the available evidence is currently insufficient to determine the role of this variant in disease. Therefore, it has been classified as a Variant of Uncertain Significance. Algorithms developed to predict the effect of sequence changes on RNA splicing suggest that this variant may create or strengthen a splice site. Advanced modeling of protein sequence and biophysical properties (such as structural, functional, and spatial information, amino acid conservation, physicochemical variation, residue mobility, and thermodynamic stability) performed at Invitae indicates that this missense variant is not expected to disrupt TGIF1 protein function. ClinVar contains an entry for this variant (Variation ID: 970967). This variant has not been reported in the literature in individuals affected with TGIF1-related conditions. This variant is not present in population databases (gnomAD no frequency). This sequence change replaces proline, which is neutral and non-polar, with serine, which is neutral and polar, at codon 155 of the TGIF1 protein (p.Pro155Ser).